The following is an entry in ClinVar:

ClinVar aggregate classification (germline): Likely benign. Review status: criteria provided, multiple submitters, no conflicts (2 of 4 stars). 6 submissions from 6 submitters: Likely benign (6). Last evaluated 2025-11-12.

Conditions:
Ehlers-Danlos syndrome, classic type, 1 (EDSCL1). Also called: Ehlers-Danlos syndrome, type 1; EHLERS-DANLOS SYNDROME, GRAVIS TYPE; EHLERS-DANLOS SYNDROME, SEVERE CLASSIC TYPE; Ehlers-Danlos Syndrome, Classic Type, COL5A1-Related; EDS I. Identifiers: MedGen C0268335, MONDO:0019567, OMIM 130000.
Familial thoracic aortic aneurysm and aortic dissection (TAAD). Also called: Thoracic aortic aneurysms and dissections. Identifiers: Orphanet 91387, MedGen C4707243, MONDO:0019625.
Ehlers-Danlos syndrome (EDS). Identifiers: Orphanet 98249, MedGen C0013720, MONDO:0020066.
Ehlers-Danlos syndrome, classic type (cEDS). Identifiers: Orphanet 287, MedGen C4225429, MONDO:0007522.

Allele frequency attached by ClinVar (database versions not stated): gnomAD 0.00003 and 0.00005; gnomAD exomes 0.00005; TOPMed 0.00005; ExAC 0.00008; 1000 Genomes Project 30x 0.00016; 1000 Genomes Project 0.00020.
gnomAD v4.1: 35 of 1,576,934 alleles (0.0022%); highest among the groups gnomAD compares: African/African-American, 0.024%; no homozygotes.

Submissions (6):

Labcorp Genetics (formerly Invitae), Labcorp
Classification: Likely benign for Ehlers-Danlos syndrome, classic type, 1. Last evaluated: 2025-11-12. Review status: criteria provided, single submitter. Criteria: Invitae Variant Classification Sherloc (09022015). Collection method: clinical testing. Allele origin: germline.

Blueprint Genetics
Classification: Likely benign. Last evaluated: 2023-11-23. Review status: criteria provided, single submitter. Criteria: ACMG Guidelines, 2015. Collection method: clinical testing. Allele origin: germline.

Ambry Genetics
Classification: Likely benign for Familial thoracic aortic aneurysm and aortic dissection. Last evaluated: 2022-08-03. Review status: criteria provided, single submitter. Criteria: Ambry Variant Classification Scheme 2023. Collection method: clinical testing. Allele origin: germline.

GeneDx
Classification: Likely benign. Last evaluated: 2020-10-05. Review status: criteria provided, single submitter. Criteria: GeneDx Variant Classification Process June 2021. Collection method: clinical testing. Allele origin: germline. Affected: yes.

Genome Diagnostics Laboratory, The Hospital for Sick Children
Classification: Likely benign for Ehlers-Danlos syndrome. Last evaluated: 2020-01-01. Review status: criteria provided, single submitter. Criteria: ACMG Guidelines, 2015. Collection method: clinical testing. Allele origin: germline.

Illumina Laboratory Services, Illumina
Classification: Likely benign for Ehlers-Danlos syndrome, classic type, 1. Last evaluated: 2018-01-12. Review status: criteria provided, single submitter. Criteria: ICSL Variant Classification Criteria 13 December 2019. Collection method: clinical testing. Allele origin: germline.
Comment: This variant was observed in the ICSL laboratory as part of a predisposition screen in an ostensibly healthy population. It had not been previously curated by ICSL or reported in the Human Gene Mutation Database (HGMD: prior to June 1st, 2018), and was therefore a candidate for classification through an automated scoring system. Utilizing variant allele frequency, disease prevalence and penetrance estimates, and inheritance mode, an automated score was calculated to assess if this variant is too frequent to cause the disease. Based on the score and internal cut-off values, a variant classified as likely benign is not then subjected to further curation. The score for this variant resulted in a classification of likely benign for this disease.

NM_000093.5(COL5A1):c.3369C>T (p.Gly1123=)

Gene: COL5A1 (collagen type V alpha 1 chain; plus strand). Cytogenetic location: 9q34.3.
Variant type: single nucleotide variant.
Coding change: c.3369C>T on transcript NM_000093.5 (MANE Select); coding-DNA position 3369, C replaced by T.
Protein change: p.Gly1123=; no amino-acid change (glycine 1123 retained).
Molecular consequence: synonymous variant.
Genome position (GRCh38, 1-based): chr9:134,809,185, C>T. VCF-style: chr9-134809185-C-T. GRCh37 (hg19) VCF-style: chr9-137701031-C-T.
Other names: c.3369C>T, p.Gly1123= (NM_001278074.1).
Identifiers: ClinVar variation 509267 (VCV000509267.23), dbSNP rs546229885, ClinGen allele CA5319847.